The following is an entry in ClinVar:

ClinVar aggregate classification (germline): Uncertain significance. Review status: criteria provided, multiple submitters, no conflicts (2 of 4 stars). 2 submissions from 2 submitters: Uncertain significance (2). Last evaluated 2025-07-09.

Conditions:
Inborn genetic diseases. Identifiers: MedGen C0950123, MeSH D030342.

Submissions (2):

Ambry Genetics
Classification: Uncertain significance for Inborn genetic diseases. Last evaluated: 2025-07-09. Review status: criteria provided, single submitter. Criteria: Ambry Variant Classification Scheme 2023. Collection method: clinical testing. Allele origin: germline.
Comment: The p.Q1431E variant (also known as c.4291C>G), located in coding exon 30 of the ANKRD26 gene, results from a C to G substitution at nucleotide position 4291. The glutamine at codon 1431 is replaced by glutamic acid, an amino acid with highly similar properties. This amino acid position is conserved. In addition, this alteration is predicted to be tolerated by in silico analysis. Based on the available evidence, the clinical significance of this variant remains unclear.

Labcorp Genetics (formerly Invitae), Labcorp
Classification: Uncertain significance. Last evaluated: 2023-11-03. Review status: criteria provided, single submitter. Criteria: Invitae Variant Classification Sherloc (09022015). Collection method: clinical testing. Allele origin: germline.
Comment: This sequence change replaces glutamine, which is neutral and polar, with glutamic acid, which is acidic and polar, at codon 1431 of the ANKRD26 protein (p.Gln1431Glu). This variant is not present in population databases (gnomAD no frequency). This variant has not been reported in the literature in individuals affected with ANKRD26-related conditions. An algorithm developed to predict the effect of missense changes on protein structure and function (PolyPhen-2) suggests that this variant is likely to be tolerated. In summary, the available evidence is currently insufficient to determine the role of this variant in disease. Therefore, it has been classified as a Variant of Uncertain Significance.

NM_014915.3(ANKRD26):c.4291C>G (p.Gln1431Glu)

Gene: ANKRD26 (ankyrin repeat domain 26; minus strand). Cytogenetic location: 10p12.1.
Variant type: single nucleotide variant.
Coding change: c.4291C>G on transcript NM_014915.3 (MANE Select); coding-DNA position 4291, C replaced by G.
Protein change: p.Gln1431Glu; replaces glutamine 1431 with glutamic acid.
Molecular consequence: missense variant.
Genome position (GRCh38, 1-based): chr10:27,017,717, G>C on the plus strand (C>G on the coding strand, the complement: ANKRD26 is on the minus strand). VCF-style: chr10-27017717-G-C. GRCh37 (hg19) VCF-style: chr10-27306646-G-C.
Other names: c.4288C>G, p.Gln1430Glu (NM_001256053.2); short protein forms Q1430E, Q1431E.
Identifiers: ClinVar variation 3021386 (VCV003021386.4), dbSNP rs2538573685, ClinGen allele CA376358055.